The following is an entry in ClinVar:

NM_005228.5(EGFR):c.3217C>G (p.Pro1073Ala)

Gene: EGFR (epidermal growth factor receptor; plus strand). Cytogenetic location: 7p11.2.
Variant type: single nucleotide variant.
Coding change: c.3217C>G on transcript NM_005228.5 (MANE Select); coding-DNA position 3217, C replaced by G.
Protein change: p.Pro1073Ala; replaces proline 1073 with alanine.
Molecular consequence: missense variant.
Genome position (GRCh38, 1-based): chr7:55,202,571, C>G. VCF-style: chr7-55202571-C-G. GRCh37 (hg19) VCF-style: chr7-55270264-C-G.
Other names: c.3082C>G, p.Pro1028Ala (NM_001346897.2, NM_001346899.2); c.3217C>G, p.Pro1073Ala (NM_001346898.2); c.3058C>G, p.Pro1020Ala (NM_001346900.2); c.2416C>G, p.Pro806Ala (NM_001346941.2); short protein forms P1020A, P1028A, P1073A, P806A.
Identifiers: ClinVar variation 1055886 (VCV001055886.9), dbSNP rs768226783, ClinGen allele CA367583363.

ClinVar aggregate classification (germline): Uncertain significance (1 of 4 stars; one submission).

Conditions:
EGFR-related lung cancer (EGFR). Identifiers: MedGen CN130014.

Submission:

Labcorp Genetics (formerly Invitae), Labcorp
Classification: Uncertain significance for EGFR-related lung cancer. Last evaluated: 2022-02-21. Review status: criteria provided, single submitter. Criteria: Invitae Variant Classification Sherloc (09022015). Collection method: clinical testing. Allele origin: germline.
Comment: In summary, the available evidence is currently insufficient to determine the role of this variant in disease. Therefore, it has been classified as a Variant of Uncertain Significance. Algorithms developed to predict the effect of missense changes on protein structure and function (SIFT, PolyPhen-2, Align-GVGD) all suggest that this variant is likely to be tolerated. ClinVar contains an entry for this variant (Variation ID: 1055886). This variant has not been reported in the literature in individuals affected with EGFR-related conditions. This variant is not present in population databases (gnomAD no frequency). This sequence change replaces proline, which is neutral and non-polar, with alanine, which is neutral and non-polar, at codon 1073 of the EGFR protein (p.Pro1073Ala).